The following is an entry in ClinVar:

NM_001267550.2(TTN):c.106009_106010del (p.Ala35338fs)

Genes: TTN (titin; minus strand), TTN-AS1 (TTN antisense RNA 1; plus strand), LOC129935182 (ATAC-STARR-seq lymphoblastoid active region 16807; plus strand). Cytogenetic location: 2q31.2.
Variant type: Deletion.
Coding change: c.106009_106010del on transcript NM_001267550.2 (MANE Select); coding-DNA positions 106009 to 106010, 2 bases deleted (TC; older notation c.106009_106010delTC).
Protein change: p.Ala35338fs; shifts the reading frame from alanine 35338.
Molecular consequence: frameshift variant.
Genome position (GRCh38, 1-based): chr2:178,530,605-178,530,606, GA deleted on the plus strand (TC on the coding strand, the reverse complement: TTN is on the minus strand). VCF-style (leftmost placement, unchanged base first): chr2-178530604-TGA-T. GRCh37 (hg19) VCF-style: chr2-179395331-TGA-T.
Other names: c.101086_101087del, p.Ala33697fs (NM_001256850.1); c.78814_78815del, p.Ala26273fs (NM_003319.4); c.98305_98306del, p.Ala32770fs (NM_133378.4); c.79189_79190del, p.Ala26398fs (NM_133432.3); c.79390_79391del, p.Ala26465fs (NM_133437.4); short protein forms A26273fs, A26398fs, A26465fs, A32770fs, A33697fs, A35338fs.
Identifiers: ClinVar variation 3759419 (VCV003759419.3).

ClinVar aggregate classification (germline): Likely pathogenic. Review status: criteria provided, multiple submitters, no conflicts (2 of 4 stars). 2 submissions from 2 submitters: Likely pathogenic (2). Last evaluated 2025-07-28.

Conditions:
Autosomal recessive limb-girdle muscular dystrophy type 2J (LGMDR10). Also called: Limb-girdle muscular dystrophy, type 2J; MUSCULAR DYSTROPHY, LIMB-GIRDLE, AUTOSOMAL RECESSIVE 10. Identifiers: Orphanet 140922, MedGen C1837342, MONDO:0012127, OMIM 608807.
Dilated cardiomyopathy 1G (CMD1G). Identifiers: Orphanet 154, MedGen C1858763, MONDO:0011400, OMIM 604145.

Submissions (2):

3billion
Classification: Likely pathogenic for Dilated cardiomyopathy 1G. Last evaluated: 2025-07-28. Review status: criteria provided, single submitter. Criteria: ACMG Guidelines, 2015. Collection method: clinical testing. Allele origin: germline. Affected: yes.
Comment: The variant is not observed in the gnomAD v4.1.0 dataset. Predicted Consequence/Location: Frameshift: predicted to result in a loss or disruption of normal protein function through nonsense-mediated decay (NMD) or protein truncation. Multiple pathogenic variants are reported downstream of the variant. The variant has been reported to be associated with TTN-related disorder (ClinVar ID: VCV003759419). Therefore, this variant is classified as Likely pathogenic according to the recommendation of ACMG/AMP guideline.

Labcorp Genetics (formerly Invitae), Labcorp
Classification: Likely pathogenic for Dilated cardiomyopathy 1G; Autosomal recessive limb-girdle muscular dystrophy type 2J. Last evaluated: 2024-10-09. Review status: criteria provided, single submitter. Criteria: Invitae Variant Classification Sherloc (09022015). Collection method: clinical testing. Allele origin: germline.
Comment: This sequence change creates a premature translational stop signal (p.Ala35338Argfs*5) in the TTN gene. While this is not anticipated to result in nonsense mediated decay, it is expected to create a truncated TTN protein. This variant is not present in population databases (gnomAD no frequency). This variant has not been reported in the literature in individuals affected with TTN-related conditions. This variant is located in the M band of TTN (PMID: 25589632). Truncating variants in this region have been previously reported in individuals affected with autosomal dominant or autosomal recessive myopathy and muscular dystrophy (PMID: 18948003, 23975875, 24395473). Truncating variants in this region have also been identified in individuals affected with autosomal dominant dilated cardiomyopathy and/or cardio-related conditions (PMID: 27869827, 32964742, internal data). In summary, the currently available evidence indicates that the variant is pathogenic, but additional data are needed to prove that conclusively. Therefore, this variant has been classified as Likely Pathogenic.

Literature cited by the submitters: PubMed 25589632 (cited by Labcorp Genetics (formerly Invitae), Labcorp); PubMed 18948003 (cited by Labcorp Genetics (formerly Invitae), Labcorp); PubMed 23975875 (cited by Labcorp Genetics (formerly Invitae), Labcorp); PubMed 24395473 (cited by Labcorp Genetics (formerly Invitae), Labcorp); PubMed 27869827 (cited by Labcorp Genetics (formerly Invitae), Labcorp); PubMed 32964742 (cited by Labcorp Genetics (formerly Invitae), Labcorp).